The following is an entry in ClinVar:

ClinVar aggregate classification (germline): Uncertain significance (1 of 4 stars; one submission).

Submission:

GeneDx
Classification: Uncertain significance. Last evaluated: 2025-03-17. Review status: criteria provided, single submitter. Criteria: GeneDx Variant Classification Process June 2021. Collection method: clinical testing. Allele origin: germline. Affected: yes.
Comment: Not observed at significant frequency in large population cohorts (gnomAD); Missense variant in a gene in which most reported pathogenic variants are truncating/loss of function; Has not been previously published as pathogenic or benign to our knowledge

NM_001267550.2(TTN):c.95762C>A (p.Thr31921Asn)

Genes: TTN (titin; minus strand), TTN-AS1 (TTN antisense RNA 1; plus strand). Cytogenetic location: 2q31.2.
Variant type: single nucleotide variant.
Coding change: c.95762C>A on transcript NM_001267550.2 (MANE Select); coding-DNA position 95762, C replaced by A.
Protein change: p.Thr31921Asn; replaces threonine 31921 with asparagine.
Molecular consequence: missense variant.
Genome position (GRCh38, 1-based): chr2:178,544,467, G>T on the plus strand (C>A on the coding strand, the complement: TTN is on the minus strand). VCF-style: chr2-178544467-G-T. GRCh37 (hg19) VCF-style: chr2-179409194-G-T.
Other names: c.90839C>A, p.Thr30280Asn (NM_001256850.1); c.68567C>A, p.Thr22856Asn (NM_003319.4); c.88058C>A, p.Thr29353Asn (NM_133378.4); c.68942C>A, p.Thr22981Asn (NM_133432.3); c.69143C>A, p.Thr23048Asn (NM_133437.4); short protein forms T22856N, T22981N, T23048N, T29353N, T30280N, T31921N.
Identifiers: ClinVar variation 4086615 (VCV004086615.1).